The following is an entry in ClinVar:

ClinVar aggregate classification (germline): Uncertain significance. Review status: criteria provided, multiple submitters, no conflicts (2 of 4 stars). 2 submissions from 2 submitters: Uncertain significance (2). Last evaluated 2025-11-04.

Conditions:
Inborn genetic diseases. Identifiers: MedGen C0950123, MeSH D030342.
PCNT-related disorder. Also called: PCNT-related condition.

Allele frequency attached by ClinVar (database versions not stated): ExAC 0.00002; TOPMed 0.00006; gnomAD 0.00007; ESP Exome Variant Server 0.00015.

Submissions (2):

PreventionGenetics, part of Exact Sciences
Classification: Uncertain significance for PCNT-related condition. Last evaluated: 2025-11-04. Review status: criteria provided, single submitter. Criteria: ACMG Guidelines, 2015. Collection method: clinical testing. Allele origin: germline.
Comment: The PCNT c.3427A>G variant is predicted to result in the amino acid substitution p.Met1143Val. To our knowledge, this variant has not been reported in the literature. This variant is reported in 0.011% of alleles in individuals of European (non-Finnish) descent in gnomAD. At this time, the clinical significance of this variant is uncertain due to the absence of conclusive functional and genetic evidence.

Ambry Genetics
Classification: Uncertain significance for Inborn genetic diseases. Last evaluated: 2025-04-15. Review status: criteria provided, single submitter. Criteria: Ambry Variant Classification Scheme 2023. Collection method: clinical testing. Allele origin: germline.

NM_006031.6(PCNT):c.3427A>G (p.Met1143Val)

Gene: PCNT (pericentrin; plus strand). Cytogenetic location: 21q22.3.
Variant type: single nucleotide variant.
Coding change: c.3427A>G on transcript NM_006031.6 (MANE Select); coding-DNA position 3427, A replaced by G.
Protein change: p.Met1143Val; replaces methionine 1143 with valine.
Molecular consequence: missense variant.
Genome position (GRCh38, 1-based): chr21:46,385,946, A>G. VCF-style: chr21-46385946-A-G. GRCh37 (hg19) VCF-style: chr21-47805861-A-G.
Other names: c.3073A>G, p.Met1025Val (NM_001315529.2); short protein forms M1025V, M1143V.
Identifiers: ClinVar variation 2518657 (VCV002518657.5), dbSNP rs144116487, ClinGen allele CA10079292.